The following is an entry in ClinVar:

ClinVar aggregate classification (germline): Likely benign (1 of 4 stars; one submission).

Allele frequency attached by ClinVar (database versions not stated): TOPMed 0.00002.
gnomAD v4.1: 14 of 1,604,982 alleles (0.00087%); highest among the groups gnomAD compares: East Asian, 0.031%; no homozygotes.

Submission:

GeneDx
Classification: Likely benign. Last evaluated: 2021-05-20. Review status: criteria provided, single submitter. Criteria: GeneDx Variant Classification Process June 2021. Collection method: clinical testing. Allele origin: germline. Affected: yes.
Comment: See Variant Classification Assertion Criteria.

NM_018026.4(PACS1):c.445-21G>C

Gene: PACS1 (phosphofurin acidic cluster sorting protein 1; plus strand). Cytogenetic location: 11q13.2.
Variant type: single nucleotide variant.
Coding change: c.445-21G>C on transcript NM_018026.4 (MANE Select); 21 bases into the intron before coding-DNA position 445, G replaced by C.
Molecular consequence: intron variant.
Genome position (GRCh38, 1-based): chr11:66,210,341, G>C. VCF-style: chr11-66210341-G-C. GRCh37 (hg19) VCF-style: chr11-65977812-G-C.
Identifiers: ClinVar variation 2501346 (VCV002501346.1), dbSNP rs555889904, ClinGen allele CA6116255.